The following is an entry in ClinVar:

NM_000492.4(CFTR):c.3659del (p.Thr1220fs)

Genes: CFTR (CF transmembrane conductance regulator; plus strand), CFTR-AS2 (CFTR antisense RNA 2; minus strand). Cytogenetic location: 7q31.2.
Variant type: Deletion.
Coding change: c.3659del on transcript NM_000492.4 (MANE Select); coding-DNA position 3659, one base deleted (C; older notation c.3659delC).
Protein change: p.Thr1220fs; shifts the reading frame from threonine 1220.
Molecular consequence: frameshift variant.
Genome position (GRCh38, 1-based): chr7:117,627,712, C deleted. VCF-style (leftmost placement, unchanged base first): chr7-117627711-AC-A. GRCh37 (hg19) VCF-style: chr7-117267765-AC-A.
Other names: 3659delC; 3791delC; p.Thr1220Lysfs*8.
Identifiers: ClinVar variation 7124 (VCV000007124.26), dbSNP rs121908811, ClinGen allele CA325524.

ClinVar aggregate classification (germline): Pathogenic. Review status: reviewed by expert panel (3 of 4 stars). 16 submissions from 15 submitters: Pathogenic (1). 15 of the submissions do not count toward it. Last evaluated 2017-03-17.

Conditions:
CFTR-related disorder (CFTR-RD). Also called: CFTR-related condition; CFTR-related disorders. Identifiers: MedGen C5924204, MONDO:7770004.
Congenital bilateral aplasia of vas deferens from CFTR mutation (CBAVD). Identifiers: Orphanet 48, MedGen C0403814, MONDO:0010178, OMIM 277180. Disease mechanism: loss of function.
Cystic fibrosis (CF). Also called: MUCOVISCIDOSIS. Identifiers: Orphanet 586, MedGen C0010674, MONDO:0009061, OMIM 219700. Disease mechanism: loss of function.
Hereditary pancreatitis (PCTT). Also called: Hereditary chronic pancreatitis; PRSS1-Related Hereditary Pancreatitis. Identifiers: Orphanet 676, MedGen C0238339, MONDO:0008185, OMIM 167800.
Bronchiectasis with or without elevated sweat chloride 1 (BESC1). Also called: Cystic Fibrosis-Like Syndrome. Identifiers: Orphanet 60033, MedGen C2749757, MONDO:0008887, OMIM 211400.

Allele frequency attached by ClinVar (database versions not stated): gnomAD 0.00001; gnomAD exomes below 0.00001; TOPMed 0.00002.

Submissions (16):

CFTR2
Classification: Pathogenic for Cystic fibrosis. Last evaluated: 2017-03-17. Review status: reviewed by expert panel. Criteria: Sosnay PR et al. (Nat Genet 2013). Collection method: research. Allele origin: germline. Affected: yes. Study: CFTR2.

PreventionGenetics, part of Exact Sciences
Classification: Pathogenic for CFTR-related condition. Last evaluated: 2026-01-01. Review status: criteria provided, single submitter. Criteria: ACMG Guidelines, 2015. Collection method: clinical testing. Allele origin: germline. Not counted in ClinVar's aggregate classification.
Comment: The CFTR c.3659delC variant is predicted to result in a frameshift and premature protein termination (p.Thr1220Lysfs*8). This variant has been reported in individuals with cystic fibrosis (See for example: Table S2, Sosnay et al. 2013. PubMed ID: 23974870). This variant is reported in 0.0062% of alleles in individuals of African descent in gnomAD. Frameshift variants in CFTR are expected to be pathogenic. This variant is interpreted as pathogenic.

Labcorp Genetics (formerly Invitae), Labcorp
Classification: Pathogenic for Cystic fibrosis. Last evaluated: 2025-12-03. Review status: criteria provided, single submitter. Criteria: Invitae Variant Classification Sherloc (09022015). Collection method: clinical testing. Allele origin: germline. Not counted in ClinVar's aggregate classification.
Comment: This sequence change creates a premature translational stop signal (p.Thr1220Lysfs*8) in the CFTR gene. It is expected to result in an absent or disrupted protein product. Loss-of-function variants in CFTR are known to be pathogenic (PMID: 1695717, 7691345, 9725922). This variant is present in population databases (rs121908811, gnomAD 0.007%). This premature translational stop signal has been observed in individuals with cystic fibrosis (PMID: 9150159, 23261175, 23974870). This variant is also known as c.3791delC. ClinVar contains an entry for this variant (Variation ID: 7124). Algorithms developed to predict the effect of sequence changes on RNA splicing suggest that this variant may disrupt the consensus splice site. For these reasons, this variant has been classified as Pathogenic.

Natera, Inc.
Classification: Pathogenic for CFTR-related disorders. Last evaluated: 2025-09-26. Review status: criteria provided, single submitter. Criteria: Natera Variant Classification Schema (03/2026). Collection method: clinical testing. Allele origin: germline. Not counted in ClinVar's aggregate classification.
Comment: The c.3659delC variant in CFTR is a frameshift variant predicted to shift the reading frame beginning at codon 1220 and leads to a stop codon 8 codons downstream. This variant is expected to result in nonsense mediated decay, truncation, or a dysfunctional protein product. This variant is rare in the general population with a frequency below the threshold expected for the associated phenotype(s). This variant has been observed in one or more individuals affected with the associated recessive disease, as either homozygous or compound heterozygous with a second variant (PMID: 1376016). Given the available evidence, this variant is classified as Pathogenic.

Mayo Clinic Laboratories, Mayo Clinic
Classification: Pathogenic. Last evaluated: 2024-06-12. Review status: criteria provided, single submitter. Criteria: ACMG Guidelines, 2015. Collection method: clinical testing. Allele origin: germline. Not counted in ClinVar's aggregate classification.

Blueprint Genetics
Classification: Pathogenic for CFTR-related disorders. Last evaluated: 2024-05-16. Review status: criteria provided, single submitter. Criteria: ACMG Guidelines, 2015. Collection method: clinical testing. Allele origin: germline. Affected: yes. Observed: 1 variant allele. Not counted in ClinVar's aggregate classification.

Fulgent Genetics
Classification: Pathogenic for Hereditary pancreatitis; Bronchiectasis with or without elevated sweat chloride 1; Cystic fibrosis; Congenital bilateral aplasia of vas deferens from CFTR mutation. Last evaluated: 2024-05-08. Review status: criteria provided, single submitter. Criteria: ACMG Guidelines, 2015. Collection method: clinical testing. Allele origin: germline. Not counted in ClinVar's aggregate classification.

Baylor Genetics
Classification: Pathogenic for Bronchiectasis with or without elevated sweat chloride 1. Last evaluated: 2024-03-13. Review status: criteria provided, single submitter. Criteria: ACMG Guidelines, 2015. Collection method: clinical testing. Allele origin: unknown. Not counted in ClinVar's aggregate classification.

Ambry Genetics
Classification: Pathogenic for Cystic fibrosis. Last evaluated: 2022-07-26. Review status: criteria provided, single submitter. Criteria: Ambry Variant Classification Scheme 2023. Collection method: clinical testing. Allele origin: germline. Not counted in ClinVar's aggregate classification.
Comment: The c.3659delC pathogenic mutation, located in coding exon 22 of the CFTR gene, results from a deletion of one nucleotide at nucleotide position 3659, causing a translational frameshift with a predicted alternate stop codon (p.T1220Kfs*8). This alteration is expected to result in loss of function by premature protein truncation or nonsense-mediated mRNA decay. This variant has been reported in multiple individuals with an elevated sweat chloride level in The Clinical and Functional TRanslation of CFTR (CFTR2) database (available at CFTR2. Accessed 07/26/2022). This variant is considered to be rare based on population cohorts in the Genome Aggregation Database (gnomAD). As such, this alteration is interpreted as a disease-causing mutation.

Women's Health and Genetics/Laboratory Corporation of America, LabCorp
Classification: Pathogenic for Cystic fibrosis. Last evaluated: 2020-10-12. Review status: criteria provided, single submitter. Criteria: LabCorp Variant Classification Summary - May 2015. Collection method: clinical testing. Allele origin: germline. Not counted in ClinVar's aggregate classification.
Comment: Variant summary: CFTR c.3659delC (p.Thr1220LysfsX8) results in a premature termination codon, predicted to cause a truncation of the encoded protein or absence of the protein due to nonsense mediated decay, which are commonly known mechanisms for disease. Truncations downstream of this position have been classified as pathogenic by our laboratory. The variant allele was found at a frequency of 4e-06 in 250166 control chromosomes. c.3659delC has been reported in the literature in multiple individuals affected with Cystic Fibrosis (e.g. Sosnay_2013). These data indicate that the variant is very likely to be associated with disease. Five clinical diagnostic laboratories have submitted clinical-significance assessments for this variant to ClinVar after 2014 without evidence for independent evaluation. All laboratories classified the variant as pathogenic. Based on the evidence outlined above, the variant was classified as pathogenic.

Johns Hopkins Genomics, Johns Hopkins University
Classification: Pathogenic for Cystic fibrosis. Last evaluated: 2020-02-24. Review status: criteria provided, single submitter. Criteria: ACMG Guidelines, 2015. Collection method: clinical testing. Allele origin: germline. Not counted in ClinVar's aggregate classification.
Comment: Disease-causing CFTR variant. See CFTR2 for phenotype information.

Myriad Genetics, Inc.
Classification: Pathogenic for Cystic fibrosis. Last evaluated: 2019-12-07. Review status: criteria provided, single submitter. Criteria: Myriad Women's Health Autosomal Recessive and X-Linked Classification Criteria (2019). Collection method: clinical testing. Allele origin: unknown. Not counted in ClinVar's aggregate classification.
Comment: NM_000492.3(CFTR):c.3659delC(T1220Kfs*8, aka 3791delC) is classified as pathogenic in the context of cystic fibrosis and is associated with the classic form of disease. Sources cited for classification include the following: PMID 23974870. Classification of NM_000492.3(CFTR):c.3659delC(T1220Kfs*8, aka 3791delC) is based on the following criteria: The variant causes a premature termination codon that is expected to be targeted by nonsense-mediated mRNA decay and is reported in individuals with the relevant phenotype. Please note: this variant was assessed in the context of healthy population screening.

Mendelics
Classification: Pathogenic for Cystic fibrosis. Last evaluated: 2018-11-05. Review status: criteria provided, single submitter. Criteria: Mendelics Assertion Criteria 2017. Collection method: clinical testing. Allele origin: unknown. Affected: yes. Not counted in ClinVar's aggregate classification.

CFTR-France
Classification: Pathogenic for cystic fibrosis. Last evaluated: 2018-01-29. Review status: criteria provided, single submitter. Criteria: Claustres M et al. (Hum Mutat 2017). Collection method: curation. Allele origin: germline. Affected: yes. Not counted in ClinVar's aggregate classification.

Baylor Genetics
Classification: Pathogenic for Congenital bilateral aplasia of vas deferens from CFTR mutation; Cystic fibrosis. Review status: criteria provided, single submitter. Criteria: ACMG Guidelines, 2015. Collection method: clinical testing. Allele origin: germline. Not counted in ClinVar's aggregate classification.

OMIM
Classification: Pathogenic for CYSTIC FIBROSIS. Last evaluated: 1990-11-01. Review status: no assertion criteria provided. Collection method: literature only. Allele origin: germline. Not counted in ClinVar's aggregate classification.

Literature cited by the submitters: PubMed 1695717 (cited by Labcorp Genetics (formerly Invitae), Labcorp); PubMed 7691345 (cited by Labcorp Genetics (formerly Invitae), Labcorp); PubMed 9725922 (cited by Labcorp Genetics (formerly Invitae), Labcorp); PubMed 9150159 (cited by Labcorp Genetics (formerly Invitae), Labcorp); PubMed 23261175 (cited by Labcorp Genetics (formerly Invitae), Labcorp); PubMed 23974870 (cited by 3 submitters); PubMed 1376016 (cited by Natera, Inc.); PubMed 2236053 (cited by OMIM).